The following is an entry in ClinVar:

NM_001166108.2(PALLD):c.185A>T (p.Lys62Met)

Gene: PALLD (palladin, cytoskeletal associated protein; plus strand). Cytogenetic location: 4q32.3.
Variant type: single nucleotide variant.
Coding change: c.185A>T on transcript NM_001166108.2 (MANE Select); coding-DNA position 185, A replaced by T.
Protein change: p.Lys62Met; replaces lysine 62 with methionine.
Molecular consequence: missense variant.
Genome position (GRCh38, 1-based): chr4:168,511,689, A>T. VCF-style: chr4-168511689-A-T. GRCh37 (hg19) VCF-style: chr4-169432840-A-T.
Other names: c.185A>T, p.Lys62Met (NM_016081.4); short protein forms K62M.
Identifiers: ClinVar variation 2563431 (VCV002563431.2), dbSNP rs2531428924, ClinGen allele CA358724983.

ClinVar aggregate classification (germline): Uncertain significance (1 of 4 stars; one submission).

Submission:

Ambry Genetics
Classification: Uncertain significance. Last evaluated: 2023-06-01. Review status: criteria provided, single submitter. Criteria: Ambry Variant Classification Scheme 2023. Collection method: clinical testing. Allele origin: germline.
Comment: The p.K62M variant (also known as c.185A>T), located in coding exon 1 of the PALLD gene, results from an A to T substitution at nucleotide position 185. The lysine at codon 62 is replaced by methionine, an amino acid with similar properties. This amino acid position is conserved. In addition, this alteration is predicted to be tolerated by in silico analysis. Since supporting evidence is limited at this time, the clinical significance of this alteration remains unclear.